The following is an entry in ClinVar:

ClinVar aggregate classification (germline): Conflicting classifications of pathogenicity. Review status: criteria provided, conflicting classifications (1 of 4 stars). 3 submissions from 3 submitters: Uncertain significance (2); Likely benign (1). Last evaluated 2025-10-13.

Conditions:
Hereditary cancer-predisposing syndrome. Also called: Neoplastic Syndromes, Hereditary; Hereditary Cancer Syndrome; Tumor predisposition; Hereditary neoplastic syndrome. Identifiers: Orphanet 140162, MedGen C0027672, MeSH D009386, MONDO:0015356.
Hereditary breast ovarian cancer syndrome. Also called: Hereditary breast and ovarian cancer syndrome; Hereditary breast and ovarian cancer syndrome (HBOC); BRCA1- and BRCA2-Associated Hereditary Breast and Ovarian Cancer; Hereditary breast and ovarian cancer; Hereditary breast and/or ovarian cancer syndrome; Breast and ovarian cancer. Identifiers: Orphanet 145, MedGen C0677776, MeSH D061325, MONDO:0003582. Disease mechanism: loss of function.

Allele frequency attached by ClinVar (database versions not stated): TOPMed below 0.00001.

Submissions (3):

Ambry Genetics
Classification: Uncertain significance for Hereditary cancer-predisposing syndrome. Last evaluated: 2025-10-13. Review status: criteria provided, single submitter. Criteria: Ambry Variant Classification Scheme 2023. Collection method: clinical testing. Allele origin: germline.
Comment: The p.A1293T variant (also known as c.3877G>A), located in coding exon 9 of the BRCA1 gene, results from a G to A substitution at nucleotide position 3877. The alanine at codon 1293 is replaced by threonine, an amino acid with similar properties. This amino acid position is conserved. In addition, the in silico prediction for this alteration is inconclusive. Based on the available evidence, the clinical significance of this variant remains unclear.

University of Washington Department of Laboratory Medicine, University of Washington
Classification: Likely benign for Hereditary cancer-predisposing syndrome. Last evaluated: 2023-03-23. Review status: criteria provided, single submitter. Criteria: Dines et al. (Genet Med. 2020). Collection method: curation. Allele origin: germline.
Comment: Missense variant in a coldspot region where missense variants are very unlikely to be pathogenic (PMID:31911673).

BRCA1 coldspot (exon 11 using historical exon numbering). Reclassification based on statistical prior probability

Labcorp Genetics (formerly Invitae), Labcorp
Classification: Uncertain significance for Hereditary breast ovarian cancer syndrome. Last evaluated: 2020-07-16. Review status: criteria provided, single submitter. Criteria: Invitae Variant Classification Sherloc (09022015). Collection method: clinical testing. Allele origin: germline.
Comment: In summary, the available evidence is currently insufficient to determine the role of this variant in disease. Therefore, it has been classified as a Variant of Uncertain Significance. Advanced modeling of protein sequence and biophysical properties (such as structural, functional, and spatial information, amino acid conservation, physicochemical variation, residue mobility, and thermodynamic stability) performed at Invitae indicates that this missense variant is not expected to disrupt BRCA1 protein function. This variant has not been reported in the literature in individuals with BRCA1-related conditions. This variant is not present in population databases (ExAC no frequency). This sequence change replaces alanine with threonine at codon 1293 of the BRCA1 protein (p.Ala1293Thr). The alanine residue is weakly conserved and there is a small physicochemical difference between alanine and threonine.

NM_007294.4(BRCA1):c.3877G>A (p.Ala1293Thr)

Genes: BRCA1 (BRCA1 DNA repair associated; minus strand), LOC126862571 (BRD4-independent group 4 enhancer GRCh37_chr17:41243136-41244335; plus strand). Cytogenetic location: 17q21.31.
Variant type: single nucleotide variant.
Coding change: c.3877G>A on transcript NM_007294.4 (MANE Select); coding-DNA position 3877, G replaced by A.
Protein change: p.Ala1293Thr; replaces alanine 1293 with threonine.
Molecular consequence: missense variant. On other transcripts: intron variant (135).
Genome position (GRCh38, 1-based): chr17:43,091,654, C>T on the plus strand (G>A on the coding strand, the complement: BRCA1 is on the minus strand). VCF-style: chr17-43091654-C-T. GRCh37 (hg19) VCF-style: chr17-41243671-C-T.
Other names: c.3736G>A, p.Ala1246Thr (NM_007297.4, NM_001407692.1, NM_001407694.1 and 29 more transcripts); c.3877G>A, p.Ala1293Thr (NM_007300.4, NM_001407581.1, NM_001407582.1 and 30 more transcripts); c.647-622G>A (NM_001408458.1, NM_001408469.1, NM_001408453.1 and 11 more transcripts); c.284-622G>A (NM_001408512.1); c.407-622G>A (NM_001408510.1); c.644-622G>A (NM_001408470.1, NM_001408464.1, NM_001408468.1 and 3 more transcripts); c.785-622G>A (NM_001408397.1, NM_001408401.1, NM_001408396.1 and 13 more transcripts); c.665-622G>A (NM_001408436.1, NM_001408444.1, NM_001408438.1 and 12 more transcripts); and 41 more; short protein forms A1246T, A1293T, A1165T, A1226T, A1245T, A1252T, A1266T, A997T.
Identifiers: ClinVar variation 1036207 (VCV001036207.13), dbSNP rs397507223, ClinGen allele CA10594210.